The following is an entry in ClinVar:

NM_005733.3(KIF20A):c.1334G>A (p.Arg445His)

Gene: KIF20A (kinesin family member 20A; plus strand). Cytogenetic location: 5q31.2.
Variant type: single nucleotide variant.
Coding change: c.1334G>A on transcript NM_005733.3 (MANE Select); coding-DNA position 1334, G replaced by A.
Protein change: p.Arg445His; replaces arginine 445 with histidine.
Molecular consequence: missense variant.
Genome position (GRCh38, 1-based): chr5:138,184,087, G>A. VCF-style: chr5-138184087-G-A. GRCh37 (hg19) VCF-style: chr5-137519776-G-A.
Other names: short protein forms R445H.
Identifiers: ClinVar variation 1958765 (VCV001958765.5), dbSNP rs781453282, ClinGen allele CA3426569.

ClinVar aggregate classification (germline): Uncertain significance (1 of 4 stars; one submission).

Allele frequency attached by ClinVar (database versions not stated): ExAC 0.00001; gnomAD exomes 0.00001; TOPMed 0.00001.
gnomAD v4.1: 16 of 1,614,120 alleles (0.00099%); highest among the groups gnomAD compares: African/African-American, 0.0013%; no homozygotes.

Submission:

Labcorp Genetics (formerly Invitae), Labcorp
Classification: Uncertain significance. Last evaluated: 2026-01-27. Review status: criteria provided, single submitter. Criteria: Invitae Variant Classification Sherloc (09022015). Collection method: clinical testing. Allele origin: germline.
Comment: This sequence change replaces arginine, which is basic and polar, with histidine, which is basic and polar, at codon 445 of the KIF20A protein (p.Arg445His). This variant is present in population databases (rs781453282, gnomAD 0.003%). This variant has not been reported in the literature in individuals affected with KIF20A-related conditions. ClinVar contains an entry for this variant (Variation ID: 1958765). An algorithm developed to predict the effect of missense changes on protein structure and function (PolyPhen-2) suggests that this variant is likely to be disruptive. In summary, the available evidence is currently insufficient to determine the role of this variant in disease. Therefore, it has been classified as a Variant of Uncertain Significance.